The following is an entry in ClinVar:

ClinVar aggregate classification (germline): Benign. Review status: criteria provided, multiple submitters, no conflicts (2 of 4 stars). 3 submissions from 3 submitters: Benign (3). Last evaluated 2018-07-17.

Conditions:
VPS13A-related neurodegenerative disease. Also called: LEVINE-CRITCHLEY SYNDROME; ACANTHOCYTOSIS WITH NEUROLOGIC DISORDER; VPS13A Disease; Choreoacanthocytosis; Choreaacanthocytosis; Chorea-acanthocytosis. Identifiers: Orphanet 2388, MedGen C0393576, MONDO:0008695, OMIM 200150.

Allele frequency attached by ClinVar (database versions not stated): TOPMed 0.10013; 1000 Genomes Project 30x 0.08182; 1000 Genomes Project 0.08446.

Submissions (3):

GeneDx
Classification: Benign. Last evaluated: 2018-07-17. Review status: criteria provided, single submitter. Criteria: GeneDx Variant Classification Process June 2021. Collection method: clinical testing. Allele origin: germline. Affected: yes.

Illumina Laboratory Services, Illumina
Classification: Benign for VPS13A-related neurodegenerative disease. Last evaluated: 2018-01-13. Review status: criteria provided, single submitter. Criteria: ICSL Variant Classification Criteria 13 December 2019. Collection method: clinical testing. Allele origin: germline.
Comment: This variant was observed in the ICSL laboratory as part of a predisposition screen in an ostensibly healthy population. It had not been previously curated by ICSL or reported in the Human Gene Mutation Database (HGMD: prior to June 1st, 2018), and was therefore a candidate for classification through an automated scoring system. Utilizing variant allele frequency, disease prevalence and penetrance estimates, and inheritance mode, an automated score was calculated to assess if this variant is too frequent to cause the disease. Based on the score and internal cut-off values, a variant classified as benign is not then subjected to further curation. The score for this variant resulted in a classification of benign for this disease.

Breakthrough Genomics
Classification: Benign. Review status: criteria provided, single submitter. Criteria: ACMG Guidelines, 2015. Collection method: not provided. Allele origin: germline. Inheritance: Autosomal recessive inheritance. Affected: yes.

NM_033305.2(VPS13A):c.-183G>C

Genes: VPS13A (vacuolar protein sorting 13 homolog A; plus strand), VPS13A-AS1 (VPS13A antisense RNA 1; minus strand), LOC121331331 (Sharpr-MPRA regulatory region 12012; plus strand). Cytogenetic location: 9q21.2.
Variant type: single nucleotide variant.
Coding change: c.-183G>C on transcript NM_033305.2; 183 bases upstream of the start codon, G replaced by C.
Genome position (GRCh38, 1-based): chr9:77,177,522, G>C. VCF-style: chr9-77177522-G-C. GRCh37 (hg19) VCF-style: chr9-79792438-G-C.
Identifiers: ClinVar variation 367337 (VCV000367337.10), dbSNP rs12349389, ClinGen allele CA10634366.